The following is an entry in ClinVar:

ClinVar aggregate classification (germline): Uncertain significance. Review status: criteria provided, multiple submitters, no conflicts (2 of 4 stars). 4 submissions from 4 submitters: Uncertain significance (4). Last evaluated 2025-07-16.

Conditions:
Inborn genetic diseases. Identifiers: MedGen C0950123, MeSH D030342.

Allele frequency attached by ClinVar (database versions not stated): gnomAD exomes below 0.00001 and 0.00001; ExAC 0.00001; gnomAD 0.00017 and 0.00018; TOPMed 0.00042.

Submissions (4):

GeneDx
Classification: Uncertain significance. Last evaluated: 2025-07-16. Review status: criteria provided, single submitter. Criteria: GeneDx Variant Classification Process June 2021. Collection method: clinical testing. Allele origin: germline. Affected: yes.
Comment: Has not been previously published as pathogenic or benign to our knowledge; Not observed at significant frequency in large population cohorts (gnomAD); In silico analysis supports that this missense variant has a deleterious effect on protein structure/function

Mayo Clinic Laboratories, Mayo Clinic
Classification: Uncertain significance. Last evaluated: 2024-10-24. Review status: criteria provided, single submitter. Criteria: ACMG Guidelines, 2015. Collection method: clinical testing. Allele origin: germline. Observed: 2 variant alleles.
Comment: BP4, PM2_supporting

Ambry Genetics
Classification: Uncertain significance for Inborn genetic diseases. Last evaluated: 2023-11-03. Review status: criteria provided, single submitter. Criteria: Ambry Variant Classification Scheme 2023. Collection method: clinical testing. Allele origin: germline.

Labcorp Genetics (formerly Invitae), Labcorp
Classification: Uncertain significance. Last evaluated: 2022-03-04. Review status: criteria provided, single submitter. Criteria: Invitae Variant Classification Sherloc (09022015). Collection method: clinical testing. Allele origin: germline.
Comment: This sequence change replaces glutamic acid, which is acidic and polar, with lysine, which is basic and polar, at codon 150 of the MGME1 protein (p.Glu150Lys). This variant is present in population databases (rs781293390, gnomAD no frequency). This variant has not been reported in the literature in individuals affected with MGME1-related conditions. ClinVar contains an entry for this variant (Variation ID: 1301200). Algorithms developed to predict the effect of missense changes on protein structure and function are either unavailable or do not agree on the potential impact of this missense change (SIFT: "Deleterious"; PolyPhen-2: "Benign"; Align-GVGD: "Class C0"). In summary, the available evidence is currently insufficient to determine the role of this variant in disease. Therefore, it has been classified as a Variant of Uncertain Significance.

NM_052865.4(MGME1):c.448G>A (p.Glu150Lys)

Genes: MGME1 (mitochondrial genome maintenance exonuclease 1; plus strand), LOC126862983 (CDK7 strongly-dependent group 2 enhancer GRCh37_chr20:17950167-17951366; plus strand). Cytogenetic location: 20p11.23.
Variant type: single nucleotide variant.
Coding change: c.448G>A on transcript NM_052865.4 (MANE Select); coding-DNA position 448, G replaced by A.
Protein change: p.Glu150Lys; replaces glutamic acid 150 with lysine.
Molecular consequence: missense variant. On other transcripts: intron variant (1).
Genome position (GRCh38, 1-based): chr20:17,970,307, G>A. VCF-style: chr20-17970307-G-A. GRCh37 (hg19) VCF-style: chr20-17950950-G-A.
Other names: p.Glu150Lys; c.448G>A, p.Glu150Lys (NM_001310338.2, NM_001310339.2); c.271+177G>A (NM_001363738.2); short protein forms E150K.
Identifiers: ClinVar variation 1301200 (VCV001301200.6), dbSNP rs781293390, ClinGen allele CA9774931.